The following is an entry in ClinVar:

NM_006796.3(AFG3L2):c.986A>G (p.Asn329Ser)

Gene: AFG3L2 (AFG3 like matrix AAA peptidase subunit 2; minus strand). Cytogenetic location: 18p11.21.
Variant type: single nucleotide variant.
Coding change: c.986A>G on transcript NM_006796.3 (MANE Select); coding-DNA position 986, A replaced by G.
Protein change: p.Asn329Ser; replaces asparagine 329 with serine.
Molecular consequence: missense variant.
Genome position (GRCh38, 1-based): chr18:12,358,710, T>C on the plus strand (A>G on the coding strand, the complement: AFG3L2 is on the minus strand). VCF-style: chr18-12358710-T-C. GRCh37 (hg19) VCF-style: chr18-12358709-T-C.
Other names: short protein forms N329S.
Identifiers: ClinVar variation 3907218 (VCV003907218.1).

ClinVar aggregate classification (germline): Uncertain significance (1 of 4 stars; one submission).

Submission:

Women's Health and Genetics/Laboratory Corporation of America, LabCorp
Classification: Uncertain significance. Last evaluated: 2025-06-11. Review status: criteria provided, single submitter. Criteria: LabCorp Variant Classification Summary - May 2015. Collection method: clinical testing. Allele origin: germline.
Comment: Variant summary: AFG3L2 c.986A>G (p.Asn329Ser) results in a conservative amino acid change in the encoded protein sequence. Algorithms developed to predict the effect of missense changes on protein structure and function are either unavailable or do not agree on the potential impact of this missense change. The variant was absent in 251408 control chromosomes. The available data on variant occurrences in the general population are insufficient to allow any conclusion about variant significance. To our knowledge, no occurrence of c.986A>G in individuals affected with Spinocerebellar Ataxia Type 28 and no experimental evidence demonstrating its impact on protein function have been reported. No submitters have cited clinical-significance assessments for this variant to ClinVar. Based on the evidence outlined above, the variant was classified as uncertain significance.